The following is an entry in ClinVar:

ClinVar aggregate classification (germline): Uncertain significance (1 of 4 stars; one submission).

gnomAD v4.1: 29 of 1,594,744 alleles (0.0018%); highest among the groups gnomAD compares: East Asian, 0.066%; no homozygotes.

Submission:

GeneDx
Classification: Uncertain significance. Last evaluated: 2025-05-30. Review status: criteria provided, single submitter. Criteria: GeneDx Variant Classification Process June 2021. Collection method: clinical testing. Allele origin: germline. Affected: yes.
Comment: In silico analysis supports that this missense variant has a deleterious effect on protein structure/function; This variant is associated with the following publications: (PMID: 31045651, 23967202, 34519870)

NM_001145809.2(MYH14):c.2692A>C (p.Lys898Gln)

Gene: MYH14 (myosin heavy chain 14; plus strand). Cytogenetic location: 19q13.33.
Variant type: single nucleotide variant.
Coding change: c.2692A>C on transcript NM_001145809.2 (MANE Select); coding-DNA position 2692, A replaced by C.
Protein change: p.Lys898Gln; replaces lysine 898 with glutamine.
Molecular consequence: missense variant.
Genome position (GRCh38, 1-based): chr19:50,263,418, A>C. VCF-style: chr19-50263418-A-C. GRCh37 (hg19) VCF-style: chr19-50766675-A-C.
Other names: c.2593A>C, p.Lys865Gln (NM_001077186.2); c.2569A>C, p.Lys857Gln (NM_024729.4); short protein forms K857Q, K865Q, K898Q.
Identifiers: ClinVar variation 4532317 (VCV004532317.1).